The following is an entry in ClinVar:

ClinVar aggregate classification (germline): Uncertain significance (1 of 4 stars; one submission).

Conditions:
Polyglandular autoimmune syndrome, type 1 (APS1). Also called: AUTOIMMUNE POLYENDOCRINE SYNDROME, TYPE I, WITH OR WITHOUT REVERSIBLE METAPHYSEAL DYSPLASIA; HYPOADRENOCORTICISM WITH HYPOPARATHYROIDISM AND SUPERFICIAL MONILIASIS; Autoimmune polyendocrine syndrome type 1; Autoimmune polyendocrinopathy syndrome, type I; Autoimmune polyendocrinopathy syndrome , type I, with or without reversible metaphyseal dysplasia; PGA I. Identifiers: Orphanet 3453, MedGen C0085859, MONDO:0009411, OMIM 240300.

Allele frequency attached by ClinVar (database versions not stated): gnomAD 0.00001.

Submission:

Labcorp Genetics (formerly Invitae), Labcorp
Classification: Uncertain significance for Polyglandular autoimmune syndrome, type 1. Last evaluated: 2022-09-09. Review status: criteria provided, single submitter. Criteria: Invitae Variant Classification Sherloc (09022015). Collection method: clinical testing. Allele origin: germline.
Comment: This sequence change falls in intron 8 of the AIRE gene. It does not directly change the encoded amino acid sequence of the AIRE protein. This variant is not present in population databases (gnomAD no frequency). This variant has not been reported in the literature in individuals affected with AIRE-related conditions. Algorithms developed to predict the effect of sequence changes on RNA splicing suggest that this variant may disrupt the consensus splice site. In summary, the available evidence is currently insufficient to determine the role of this variant in disease. Therefore, it has been classified as a Variant of Uncertain Significance.

NM_000383.4(AIRE):c.996-14G>A

Gene: AIRE (autoimmune regulator; plus strand). Cytogenetic location: 21q22.3.
Variant type: single nucleotide variant.
Coding change: c.996-14G>A on transcript NM_000383.4 (MANE Select); 14 bases into the intron before coding-DNA position 996, G replaced by A.
Molecular consequence: intron variant.
Genome position (GRCh38, 1-based): chr21:44,292,288, G>A. VCF-style: chr21-44292288-G-A. GRCh37 (hg19) VCF-style: chr21-45712171-G-A.
Identifiers: ClinVar variation 2418695 (VCV002418695.3), dbSNP rs2040548842, ClinGen allele CA1022714483.